The following is an entry in ClinVar:

ClinVar aggregate classification (germline): Uncertain significance (1 of 4 stars; one submission).

Submission:

Labcorp Genetics (formerly Invitae), Labcorp
Classification: Uncertain significance. Last evaluated: 2019-12-05. Review status: criteria provided, single submitter. Criteria: Invitae Variant Classification Sherloc (09022015). Collection method: clinical testing. Allele origin: germline.
Comment: This variant results in a copy number gain of the genomic region encompassing exons 2-10 of the TRPM1 gene, which includes the initiator codon. The 5' end of this event is unknown as it extends beyond the assayed region for this gene and therefore may encompass additional genes. The 3' boundary is likely confined to intron 10 of the TRPM1 gene. As the precise location of this event is unknown, it may be in tandem or it may be located elsewhere in the genome. This variant has not been reported in the literature in individuals with TRPM1-related conditions. In summary, the available evidence is currently insufficient to determine the role of this variant in disease. Therefore, it has been classified as a Variant of Uncertain Significance.

NC_000015.10:g.(?_31060544)_(31076984_?)dup

Genes: MIR211 (microRNA 211; minus strand), TRPM1 (transient receptor potential cation channel subfamily M member 1; minus strand). Cytogenetic location: 15q13.3.
Variant type: Duplication.
Identifiers: ClinVar variation 830462 (VCV000830462.1).